The following is an entry in ClinVar:

NM_016156.6(MTMR2):c.759A>C (p.Glu253Asp)

Gene: MTMR2 (myotubularin related protein 2; minus strand). Cytogenetic location: 11q21.
Variant type: single nucleotide variant.
Coding change: c.759A>C on transcript NM_016156.6 (MANE Select); coding-DNA position 759, A replaced by C.
Protein change: p.Glu253Asp; replaces glutamic acid 253 with aspartic acid.
Molecular consequence: missense variant.
Genome position (GRCh38, 1-based): chr11:95,850,645, T>G on the plus strand (A>C on the coding strand, the complement: MTMR2 is on the minus strand). VCF-style: chr11-95850645-T-G. GRCh37 (hg19) VCF-style: chr11-95583809-T-G.
Other names: c.543A>C, p.Glu181Asp (NM_001243571.2, NM_201278.3, NM_201281.3); short protein forms E181D, E253D.
Identifiers: ClinVar variation 1014645 (VCV001014645.7), dbSNP rs753939570, ClinGen allele CA6240235.
Genomic context (GRCh38, chr11:95,850,645, plus strand): 5'-AAACTTCCTACTTACTGGGATACGGCCTCTTGATCTGAAGGATGCCACTCTCTTTAATTC[T>G]TCATCAGGAATATTTGCTGGCACAACCAGGAGGGCAGGGTATGTATCACAAAGTTCATAT-3'
Protein context (NP_057240.3, residues 243-263): LLVVPANIPD[Glu253Asp]ELKRVASFRS

ClinVar aggregate classification (germline): Uncertain significance. Review status: criteria provided, multiple submitters, no conflicts (2 of 4 stars). 2 submissions from 2 submitters: Uncertain significance (2). Last evaluated 2023-06-13.

Conditions:
Charcot-Marie-Tooth disease type 4. Also called: Charcot-Marie-Tooth, Type 4; Charcot-Marie-Tooth disease, type IV. Identifiers: Orphanet 64749, MedGen C4082197, MONDO:0018995.
Inborn genetic diseases. Identifiers: MedGen C0950123, MeSH D030342.

Allele frequency attached by ClinVar (database versions not stated): ExAC 0.00002; gnomAD exomes 0.00002.
gnomAD v4.1: 11 of 1,614,168 alleles (0.00068%); highest among the groups gnomAD compares: Non-Finnish European, 0.00093%; no homozygotes.

Submissions (2):

Ambry Genetics
Classification: Uncertain significance for Inborn genetic diseases. Last evaluated: 2023-06-13. Review status: criteria provided, single submitter. Criteria: Ambry Variant Classification Scheme 2023. Collection method: clinical testing. Allele origin: germline.

Labcorp Genetics (formerly Invitae), Labcorp
Classification: Uncertain significance for Charcot-Marie-Tooth disease type 4. Last evaluated: 2022-10-18. Review status: criteria provided, single submitter. Criteria: Invitae Variant Classification Sherloc (09022015). Collection method: clinical testing. Allele origin: germline.
Comment: This sequence change replaces glutamic acid, which is acidic and polar, with aspartic acid, which is acidic and polar, at codon 253 of the MTMR2 protein (p.Glu253Asp). This variant is present in population databases (rs753939570, gnomAD 0.004%). This variant has not been reported in the literature in individuals affected with MTMR2-related conditions. ClinVar contains an entry for this variant (Variation ID: 1014645). Advanced modeling of protein sequence and biophysical properties (such as structural, functional, and spatial information, amino acid conservation, physicochemical variation, residue mobility, and thermodynamic stability) performed at Invitae indicates that this missense variant is expected to disrupt MTMR2 protein function. In summary, the available evidence is currently insufficient to determine the role of this variant in disease. Therefore, it has been classified as a Variant of Uncertain Significance.